The following is an entry in ClinVar:

NM_024598.4(USB1):c.73A>G (p.Arg25Gly)

Genes: USB1 (U6 snRNA biogenesis phosphodiesterase 1; plus strand), LOC130059131 (ATAC-STARR-seq lymphoblastoid active region 10920; plus strand). Cytogenetic location: 16q21.
Variant type: single nucleotide variant.
Coding change: c.73A>G on transcript NM_024598.4 (MANE Select); coding-DNA position 73, A replaced by G.
Protein change: p.Arg25Gly; replaces arginine 25 with glycine.
Molecular consequence: missense variant. On other transcripts: intron variant (1).
Genome position (GRCh38, 1-based): chr16:58,001,556, A>G. VCF-style: chr16-58001556-A-G. GRCh37 (hg19) VCF-style: chr16-58035460-A-G.
Other names: c.73A>G, p.Arg25Gly (NM_001195302.2, NM_001204911.2, NM_001330569.2); c.-55-923A>G (NM_001330568.2); short protein forms R25G.
Identifiers: ClinVar variation 4827063 (VCV004827063.1).
Genomic context (GRCh38, chr16:58,001,556, plus strand): 5'-CCCCTGGTGGGCTACAGCAGCAGCGGCTCCGAGGATGAGTCCGAGGACGGGATGCGGACC[A>G]GGCCGGGGGATGGGAGCCACCGTCGGTGAGGAGTGAGGAAGTCTCTCCGGAGGGCGCGCG-3'
Protein context (NP_078874.2, residues 15-35): EDESEDGMRT[Arg25Gly]PGDGSHRRGQ

ClinVar aggregate classification (germline): Uncertain significance (1 of 4 stars; one submission).

Conditions:
Inborn genetic diseases. Identifiers: MedGen C0950123, MeSH D030342.

Submission:

Ambry Genetics
Classification: Uncertain significance for Inborn genetic diseases. Last evaluated: 2026-03-03. Review status: criteria provided, single submitter. Criteria: Ambry Variant Classification Scheme 2023. Collection method: clinical testing. Allele origin: germline.
Comment: The p.R25G variant (also known as c.73A>G), located in coding exon 1 of the USB1 gene, results from an A to G substitution at nucleotide position 73. The arginine at codon 25 is replaced by glycine, an amino acid with dissimilar properties. This amino acid position is conserved. In addition, this alteration is predicted to be tolerated by in silico analysis. Based on the available evidence, the clinical significance of this variant remains unclear.